The following is an entry in ClinVar:

NM_000382.2(ALDH3A2):c.153+5_386-408delins19

Genes: ALDH3A2 (aldehyde dehydrogenase 3 family member A2; plus strand), LOC130060467 (ATAC-STARR-seq lymphoblastoid active region 11860; plus strand). Cytogenetic location: 17p11.2.
Variant type: Indel.
Coding change: c.153+5_386-408delins19 on transcript NM_000382.2; 5 bases into the intron after coding-DNA position 153 through 408 bases into the intron before coding-DNA position 386, the reference bases replaced by an inserted sequence.
Identifiers: ClinVar variation 495851 (VCV000495851.1).

ClinVar aggregate classification (germline): Pathogenic (1 of 4 stars; one submission).

Conditions:
Sjögren-Larsson syndrome (SLS). Also called: FALDH DEFICIENCY; FATTY ALCOHOL:NAD+ OXIDOREDUCTASE DEFICIENCY; FATTY ALDEHYDE DEHYDROGENASE DEFICIENCY; ICHTHYOSIS, SPASTIC NEUROLOGIC DISORDER, AND OLIGOPHRENIA. Identifiers: Orphanet 816, MedGen C0037231, MONDO:0010031, OMIM 270200.

Submission:

Women's Health and Genetics/Laboratory Corporation of America, LabCorp
Classification: Pathogenic for Sjögren-Larsson syndrome. Last evaluated: 2017-05-01. Review status: criteria provided, single submitter. Criteria: LabCorp Variant Classification Summary - May 2015. Collection method: clinical testing. Allele origin: germline.
Comment: Variant summary: The ALDH3A2 c.153+5_386-408delins19 (or c.153+5_385+361delins19) leads to large deletion involving intron 1-exon 2-intron 2, completely deleting exon 2 followed by insertion of 19 nucleotides. Functional study showed that this variant result in both deletion of exon 2 and, in exon 3, a frameshift associated with a premature stop codon. Taken together, this variant is classified as pathogenic.

Literature cited by the submitters: PubMed 15931689; PubMed 10577908.